The following is an entry in ClinVar:

ClinVar aggregate classification (germline): Benign. Review status: criteria provided, multiple submitters, no conflicts (2 of 4 stars). 4 submissions from 4 submitters: Benign (4). Last evaluated 2022-04-26.

Conditions:
Telangiectasia, hereditary hemorrhagic, type 1 (HHT1). Also called: Osler Weber Rendu syndrome type 1; ENG-Related Hereditary Hemorrhagic Telangiectasia. Identifiers: Orphanet 774, MedGen C4551861, MONDO:0008535, OMIM 187300. Disease mechanism: loss of function.

Allele frequency attached by ClinVar (database versions not stated): TOPMed 0.06185; gnomAD 0.06245 and 0.06300; gnomAD exomes 0.06400; 1000 Genomes Project 30x 0.06433; 1000 Genomes Project 0.06490; ESP Exome Variant Server 0.06520; ExAC 0.06660.
gnomAD v4.1: 109,798 of 1,613,582 alleles (6.8%); highest among the groups gnomAD compares: South Asian, 11%; 4,181 homozygotes.

Submissions (4):

ARUP Laboratories, Molecular Genetics and Genomics, ARUP Laboratories
Classification: Benign for Telangiectasia, hereditary hemorrhagic, type 1. Last evaluated: 2022-04-26. Review status: criteria provided, single submitter. Criteria: ARUP Molecular Germline Variant Investigation Process 2021. Collection method: clinical testing. Allele origin: germline.

GeneDx
Classification: Benign. Last evaluated: 2018-06-14. Review status: criteria provided, single submitter. Criteria: GeneDx Variant Classification (06012015). Collection method: clinical testing. Allele origin: germline. Affected: yes.
Comment: This variant is considered likely benign or benign based on one or more of the following criteria: it is a conservative change, it occurs at a poorly conserved position in the protein, it is predicted to be benign by multiple in silico algorithms, and/or has population frequency not consistent with disease.

Breakthrough Genomics
Classification: Benign. Review status: criteria provided, single submitter. Criteria: ACMG Guidelines, 2015. Collection method: not provided. Allele origin: germline. Inheritance: Autosomal dominant inheritance. Affected: yes.

PreventionGenetics, part of Exact Sciences
Classification: Benign. Review status: criteria provided, single submitter. Criteria: ACMG Guidelines, 2015. Collection method: clinical testing. Allele origin: germline.

NM_001114753.3(ENG):c.219+25G>T

Gene: ENG (endoglin; minus strand). Cytogenetic location: 9q34.11.
Variant type: single nucleotide variant.
Coding change: c.219+25G>T on transcript NM_001114753.3 (MANE Select); 25 bases into the intron after coding-DNA position 219, G replaced by T.
Molecular consequence: intron variant.
Genome position (GRCh38, 1-based): chr9:127,843,069, C>A on the plus strand (G>T on the coding strand, the complement: ENG is on the minus strand). VCF-style: chr9-127843069-C-A. GRCh37 (hg19) VCF-style: chr9-130605348-C-A.
Other names: c.219+25G>T (NM_000118.4, NM_001406715.1); c.-328+25G>T (NM_001278138.2).
Identifiers: ClinVar variation 255144 (VCV000255144.18), dbSNP rs7847860, ClinGen allele CA5253202.